The following is an entry in ClinVar:

ClinVar aggregate classification (germline): Likely benign (1 of 4 stars; one submission).

Submission:

GeneDx
Classification: Likely benign. Last evaluated: 2018-03-08. Review status: criteria provided, single submitter. Criteria: GeneDx Variant Classification (06012015). Collection method: clinical testing. Allele origin: germline. Affected: yes.
Comment: This variant is considered likely benign or benign based on one or more of the following criteria: it is a conservative change, it occurs at a poorly conserved position in the protein, it is predicted to be benign by multiple in silico algorithms, and/or has population frequency not consistent with disease.

NM_001191061.2(SLC25A22):c.413-14C>G

Gene: SLC25A22 (solute carrier family 25 member 22; minus strand). Cytogenetic location: 11p15.5.
Variant type: single nucleotide variant.
Coding change: c.413-14C>G on transcript NM_001191061.2 (MANE Select); 14 bases into the intron before coding-DNA position 413, C replaced by G.
Molecular consequence: intron variant.
Genome position (GRCh38, 1-based): chr11:792,741, G>C on the plus strand (C>G on the coding strand, the complement: SLC25A22 is on the minus strand). VCF-style: chr11-792741-G-C. GRCh37 (hg19) VCF-style: chr11-792741-G-C.
Other names: c.413-14C>G (NM_001191060.2, NM_024698.6).
Identifiers: ClinVar variation 515954 (VCV000515954.1), dbSNP rs1554965634, ClinGen allele CA658797560.
Genomic context (GRCh38, chr11:792,741, plus strand): 5'-CTGGGCCGAGAGCTGGCCCTGGGCAGCCAGGATCTTCCTCTGGGCGGCTGGGGACAAAGA[G>C]GCTGCTGTCTCCTCTTCTGTGCGAACTGGGCAGGGGACACGCTCTGGCCCTCCCTGCGTC-3'